The following is an entry in ClinVar:

NM_016507.4(CDK12):c.3832C>A (p.Pro1278Thr)

Gene: CDK12 (cyclin dependent kinase 12; plus strand). Cytogenetic location: 17q12.
Variant type: single nucleotide variant.
Coding change: c.3832C>A on transcript NM_016507.4 (MANE Select); coding-DNA position 3832, C replaced by A.
Protein change: p.Pro1278Thr; replaces proline 1278 with threonine.
Molecular consequence: missense variant.
Genome position (GRCh38, 1-based): chr17:39,530,675, C>A. VCF-style: chr17-39530675-C-A. GRCh37 (hg19) VCF-style: chr17-37686928-C-A.
Other names: c.3805C>A, p.Pro1269Thr (NM_015083.4); short protein forms P1269T, P1278T.
Identifiers: ClinVar variation 3999403 (VCV003999403.1).
Genomic context (GRCh38, chr17:39,530,675, plus strand): 5'-CACATTCTTCCACCAGAGAAGAGGCCCCCTGAGCCCCCCGGACCTCCACCGCCGCCACCT[C>A]CACCCCCTCTGGTTGAAGGCGATCTTTCCAGCGCCCCCCAGGAGTTGAACCCAGCCGTGA-3'
Protein context (NP_057591.2, residues 1268-1288): EPPGPPPPPP[Pro1278Thr]PPLVEGDLSS

ClinVar aggregate classification (germline): Uncertain significance (1 of 4 stars; one submission).

Submission:

Ambry Genetics
Classification: Uncertain significance. Last evaluated: 2025-05-01. Review status: criteria provided, single submitter. Criteria: Ambry Variant Classification Scheme 2023. Collection method: clinical testing. Allele origin: germline.
Comment: The p.P1278T variant (also known as c.3832C>A), located in coding exon 14 of the CDK12 gene, results from a C to A substitution at nucleotide position 3832. The proline at codon 1278 is replaced by threonine, an amino acid with highly similar properties. This amino acid position is conserved. In addition, this alteration is predicted to be tolerated by in silico analysis. Based on the available evidence, the clinical significance of this variant remains unclear.